The following is an entry in ClinVar:

NM_000057.4(BLM):c.1594G>A (p.Asp532Asn)

Gene: BLM (BLM RecQ like helicase; plus strand). Cytogenetic location: 15q26.1.
Variant type: single nucleotide variant.
Coding change: c.1594G>A on transcript NM_000057.4 (MANE Select); coding-DNA position 1594, G replaced by A.
Protein change: p.Asp532Asn; replaces aspartic acid 532 with asparagine.
Molecular consequence: missense variant.
Genome position (GRCh38, 1-based): chr15:90,760,967, G>A. VCF-style: chr15-90760967-G-A. GRCh37 (hg19) VCF-style: chr15-91304197-G-A.
Other names: c.1594G>A, p.Asp532Asn (NM_001287246.2, NM_001287247.2); c.469G>A, p.Asp157Asn (NM_001287248.2); short protein forms D157N, D532N.
Identifiers: ClinVar variation 1899025 (VCV001899025.5), dbSNP rs753723424, ClinGen allele CA7738563.

ClinVar aggregate classification (germline): Uncertain significance. Review status: criteria provided, multiple submitters, no conflicts (2 of 4 stars). 2 submissions from 2 submitters: Uncertain significance (2). Last evaluated 2025-03-10.

Conditions:
Hereditary cancer-predisposing syndrome. Also called: Tumor predisposition; Neoplastic Syndromes, Hereditary; Hereditary Cancer Syndrome; Hereditary neoplastic syndrome. Identifiers: Orphanet 140162, MedGen C0027672, MeSH D009386, MONDO:0015356.
Bloom syndrome (BLM). Also called: Bloom-Torre-Machacek syndrome. Identifiers: Orphanet 125, MedGen C0005859, MONDO:0008876, OMIM 210900.

Allele frequency attached by ClinVar (database versions not stated): gnomAD exomes below 0.00001; ExAC 0.00001.
gnomAD v4.1: 1 of 1,614,010 alleles (0.000062%); highest among the groups gnomAD compares: Non-Finnish European, 0.000085%; no homozygotes.

Submissions (2):

Ambry Genetics
Classification: Uncertain significance for Hereditary cancer-predisposing syndrome. Last evaluated: 2025-03-10. Review status: criteria provided, single submitter. Criteria: Ambry Variant Classification Scheme 2023. Collection method: clinical testing. Allele origin: germline.
Comment: The p.D532N variant (also known as c.1594G>A), located in coding exon 6 of the BLM gene, results from a G to A substitution at nucleotide position 1594. The aspartic acid at codon 532 is replaced by asparagine, an amino acid with highly similar properties. This amino acid position is conserved. In addition, this alteration is predicted to be tolerated by in silico analysis. Based on the available evidence, the clinical significance of this variant remains unclear.

Labcorp Genetics (formerly Invitae), Labcorp
Classification: Uncertain significance for Bloom syndrome. Last evaluated: 2024-07-18. Review status: criteria provided, single submitter. Criteria: Invitae Variant Classification Sherloc (09022015). Collection method: clinical testing. Allele origin: germline.
Comment: This sequence change replaces aspartic acid, which is acidic and polar, with asparagine, which is neutral and polar, at codon 532 of the BLM protein (p.Asp532Asn). This variant is present in population databases (rs753723424, gnomAD 0.0009%). This variant has not been reported in the literature in individuals affected with BLM-related conditions. ClinVar contains an entry for this variant (Variation ID: 1899025). Advanced modeling of protein sequence and biophysical properties (such as structural, functional, and spatial information, amino acid conservation, physicochemical variation, residue mobility, and thermodynamic stability) performed at Invitae indicates that this missense variant is not expected to disrupt BLM protein function with a negative predictive value of 80%. In summary, the available evidence is currently insufficient to determine the role of this variant in disease. Therefore, it has been classified as a Variant of Uncertain Significance.